The following is an entry in ClinVar:

NM_018418.5(SPATA7):c.409A>G (p.Lys137Glu)

Gene: SPATA7 (spermatogenesis associated 7; plus strand). Cytogenetic location: 14q31.3.
Variant type: single nucleotide variant.
Coding change: c.409A>G on transcript NM_018418.5 (MANE Select); coding-DNA position 409, A replaced by G.
Protein change: p.Lys137Glu; replaces lysine 137 with glutamic acid.
Molecular consequence: missense variant.
Genome position (GRCh38, 1-based): chr14:88,426,268, A>G. VCF-style: chr14-88426268-A-G. GRCh37 (hg19) VCF-style: chr14-88892612-A-G.
Other names: c.313A>G, p.Lys105Glu (NM_001040428.4); short protein forms K137E, K105E.
Identifiers: ClinVar variation 2072208 (VCV002072208.4), dbSNP rs2504236771, ClinGen allele CA390561488.

ClinVar aggregate classification (germline): Uncertain significance (1 of 4 stars; one submission).

Conditions:
Leber congenital amaurosis 3 (LCA3). Also called: SPATA7-Related Retinitis Pigmentosa. Identifiers: MedGen C1858677, MONDO:0011415, OMIM 604232.

Submission:

Labcorp Genetics (formerly Invitae), Labcorp
Classification: Uncertain significance for Leber congenital amaurosis 3. Last evaluated: 2022-01-25. Review status: criteria provided, single submitter. Criteria: Invitae Variant Classification Sherloc (09022015). Collection method: clinical testing. Allele origin: germline.
Comment: This variant has not been reported in the literature in individuals affected with SPATA7-related conditions. This variant is not present in population databases (gnomAD no frequency). This sequence change replaces lysine, which is basic and polar, with glutamic acid, which is acidic and polar, at codon 137 of the SPATA7 protein (p.Lys137Glu). Algorithms developed to predict the effect of missense changes on protein structure and function (SIFT, PolyPhen-2, Align-GVGD) all suggest that this variant is likely to be tolerated. In summary, the available evidence is currently insufficient to determine the role of this variant in disease. Therefore, it has been classified as a Variant of Uncertain Significance.